The following is an entry in ClinVar:

ClinVar aggregate classification (germline): Uncertain significance. Review status: criteria provided, multiple submitters, no conflicts (2 of 4 stars). 11 submissions from 8 submitters: Uncertain significance (9). 2 of the submissions do not count toward it. Last evaluated 2026-09-17.

Conditions:
Basal laminar drusen. Also called: DRUSEN OF BRUCH MEMBRANE; DRUSEN, CUTICULAR; DRUSEN, EARLY ADULT-ONSET, GROUPED. Identifiers: Orphanet 75376, MedGen C0730295, MONDO:0007472, OMIM 126700.
Hemolytic uremic syndrome, atypical, susceptibility to, 1. Also called: AHUS, SUSCEPTIBILITY TO, 1. Identifiers: Orphanet 2134, Orphanet 90038, MedGen C2749604, MONDO:0009335, OMIM 235400. Disease mechanism: Other.
Factor H deficiency (CFHD). Also called: COMPLEMENT FACTOR H DEFICIENCY; CFH DEFICIENCY. Identifiers: Orphanet 200421, MedGen C0398777, MONDO:0012350, OMIM 609814.
Age related macular degeneration 4. Identifiers: MedGen C1853147, MONDO:0012540, OMIM 610698.
Atypical hemolytic-uremic syndrome. Identifiers: Orphanet 2134, MedGen C2931788, MONDO:0016244.

Allele frequency attached by ClinVar (database versions not stated): ESP Exome Variant Server 0.00054; 1000 Genomes Project 30x 0.00016; gnomAD exomes 0.00028; ExAC 0.00035; TOPMed 0.00037; gnomAD 0.00041 and 0.00042.
gnomAD v4.1: 1,226 of 1,613,884 alleles (0.076%); highest among the groups gnomAD compares: Non-Finnish European, 0.096%; 2 homozygotes.

Submissions (11):

Genomenon, Inc
Classification: Uncertain significance for Atypical hemolytic-uremic syndrome; Factor H deficiency. Last evaluated: 2026-09-17. Review status: criteria provided, single submitter. Criteria: Genomenon Sequence Variant Interpretation Standards - Updated. Collection method: curation. Allele origin: germline. Affected: yes.
Comment: CFH p.Val609Ile (c.1825G>A) is a missense variant that changes the amino acid at codon 609 from valine to isoleucine. This variant has been observed in at least one proband affected with a CFH-related disorder (PMID: 28176474; 20513133; 23847193; 29327071; 25899302). Functional studies have been reported (PMID: 34189567). In silico models predict that this variant is not damaging. In conclusion, we classify CFH p.Val609Ile (c.1825G>A) as a variant of uncertain significance.

Mayo Clinic Laboratories, Mayo Clinic
Classification: Uncertain significance. Last evaluated: 2025-06-14. Review status: criteria provided, single submitter. Criteria: ACMG Guidelines, 2015. Collection method: clinical testing. Allele origin: germline. Observed: 2 variant alleles.
Comment: BP4

Clinical Genomics Laboratory, Washington University in St. Louis
Classification: Uncertain significance for Hemolytic uremic syndrome, atypical, susceptibility to, 1. Last evaluated: 2025-02-01. Review status: criteria provided, single submitter. Criteria: ACMG Guidelines, 2015. Collection method: clinical testing. Allele origin: germline.
Comment: The CFH c.1825G>A (p.Val609Ile) variant has been reported as a germline variant in at least two patients with atypical hemolytic uremic syndrome (Bu F et a., PMID: 24029428; Maga TK, et al., PMID: 20513133; Sheerin NS et al., PMID: 25899302) and one patient with C3 glomerulonephritis (Wong EK et al., PMID: 29327071). This variant has been reported in the ClinVar database as a germline variant of uncertain significance by multiple submitters (Variation ID: 988218). It is observed on 80/282,404 alleles in the general population (gnomAD v.2.1.0). Computational predictors suggest that the variant does not impact CFH function. Due to conflicting information, and based on ACMG/AMP guidelines for variant interpretation (Richards S et al., PMID: 25741868), the clinical significance of the CFH c.1825G>A (p.Val609Ile) variant is uncertain at this time.

Labcorp Genetics (formerly Invitae), Labcorp
Classification: Uncertain significance. Last evaluated: 2024-12-26. Review status: criteria provided, single submitter. Criteria: Invitae Variant Classification Sherloc (09022015). Collection method: clinical testing. Allele origin: germline.
Comment: This sequence change replaces valine, which is neutral and non-polar, with isoleucine, which is neutral and non-polar, at codon 609 of the CFH protein (p.Val609Ile). This variant is present in population databases (rs148165372, gnomAD 0.05%). This missense change has been observed in individual(s) with clinical features of CFH-related conditions (PMID: 20513133, 34508573). ClinVar contains an entry for this variant (Variation ID: 988218). An algorithm developed to predict the effect of missense changes on protein structure and function outputs the following: PolyPhen-2: "Benign". The isoleucine amino acid residue is found in multiple mammalian species, which suggests that this missense change does not adversely affect protein function. Experimental studies have shown that this missense change does not substantially affect CFH function (PMID: 34189567). In summary, the available evidence is currently insufficient to determine the role of this variant in disease. Therefore, it has been classified as a Variant of Uncertain Significance.

Fulgent Genetics
Classification: Uncertain significance for Basal laminar drusen; Hemolytic uremic syndrome, atypical, susceptibility to, 1; Factor H deficiency; Age related macular degeneration 4. Last evaluated: 2024-05-23. Review status: criteria provided, single submitter. Criteria: ACMG Guidelines, 2015. Collection method: clinical testing. Allele origin: germline.

Genome-Nilou Lab
Classification: Uncertain significance for Hemolytic uremic syndrome, atypical, susceptibility to, 1. Last evaluated: 2023-04-11. Review status: criteria provided, single submitter. Criteria: ACMG Guidelines, 2015. Collection method: clinical testing. Allele origin: germline. Affected: no.

Genome-Nilou Lab
Classification: Uncertain significance for Age related macular degeneration 4. Last evaluated: 2023-04-11. Review status: criteria provided, single submitter. Criteria: ACMG Guidelines, 2015. Collection method: clinical testing. Allele origin: germline. Affected: no.

Genome-Nilou Lab
Classification: Uncertain significance for Basal laminar drusen. Last evaluated: 2023-04-11. Review status: criteria provided, single submitter. Criteria: ACMG Guidelines, 2015. Collection method: clinical testing. Allele origin: germline. Affected: no.

Genome-Nilou Lab
Classification: Uncertain significance for Factor H deficiency. Last evaluated: 2023-04-11. Review status: criteria provided, single submitter. Criteria: ACMG Guidelines, 2015. Collection method: clinical testing. Allele origin: germline. Affected: no.

Sydney Genome Diagnostics, Children's Hospital Westmead
Classification: Uncertain significance for Atypical hemolytic-uremic syndrome. Last evaluated: 2018-12-17. Review status: no assertion criteria provided. Collection method: clinical testing. Allele origin: unknown. Affected: yes. Observed: 1 variant allele, 1 heterozygote. Not counted in ClinVar's aggregate classification.
Comment: This variant has been reported in multiple individuals with aHUS and C3 glomerulopathy in the Database of complement gene variants (v3.0). This variant has also been reported in the gnomAD browser with an allele frequency of 0.051% (65/126,312 alleles) in the European population. In silico analysis of pathogenicity (through Alamut Visual v2.8.1) using PolyPhen2, SIFT and MutationTaster suggest that this variant does not affect protein function and is likely to be benign. However, this analysis alone cannot be used to exclude pathogenicity. This variant is considered to be a variant of uncertain clinical significance (VOUS) according to the ACMG guidelines (evidence used: BP4).

Department of Pathology and Laboratory Medicine, Sinai Health System
Classification: Uncertain significance. Review status: no assertion criteria provided. Collection method: clinical testing. Allele origin: unknown. Affected: yes. Study: The Canadian Open Genetics Repository (COGR). Not counted in ClinVar's aggregate classification.
Comment: The CFH p.Val609Ile variant was identified in 5 of 492 proband chromosomes (frequency: 0.01) from individuals with atypical haemolytic uraemic syndrome (Sheerin_2016 PMID:25899302; Bu_2014_PMID:24029428; Maga_2010_PMID:20513133; Feng_2013_PMID:23847193). The variant was identified in dbSNP (ID: rs148165372) but was not identified in ClinVar or LOVD 3.0. The variant was identified in control databases in 80 of 282404 chromosomes at a frequency of 0.0002833 (Genome Aggregation Database March 6, 2019, v2.1.1). The variant was observed in the following populations: European (non-Finnish) in 66 of 128800 chromosomes (freq: 0.000512), African in 10 of 24964 chromosomes (freq: 0.000401), Other in 1 of 7208 chromosomes (freq: 0.000139) and European (Finnish) in 3 of 25118 chromosomes (freq: 0.000119), but was not observed in the Latino, Ashkenazi Jewish, East Asian, or South Asian populations. The p.Val609 residue is not conserved in mammals and computational analyses (PolyPhen-2, SIFT, AlignGVGD, BLOSUM, MutationTaster) do not suggest a high likelihood of impact to the protein; however, this information is not predictive enough to rule out pathogenicity. The variant occurs outside of the splicing consensus sequence and in silico or computational prediction software programs (SpliceSiteFinder, MaxEntScan, NNSPLICE, GeneSplicer) do not predict a difference in splicing. In summary, based on the above information the clinical significance of this variant cannot be determined with certainty at this time. This variant is classified as a variant of uncertain significance.

Literature cited by the submitters: PubMed 28176474 (cited by Genomenon, Inc and Mayo Clinic Laboratories, Mayo Clinic); PubMed 20513133 (cited by 3 submitters); PubMed 23847193 (cited by Genomenon, Inc); PubMed 29327071 (cited by Genomenon, Inc); PubMed 25899302 (cited by Genomenon, Inc); PubMed 34189567 (cited by 3 submitters); PubMed 24029428 (cited by Mayo Clinic Laboratories, Mayo Clinic); PubMed 34508573 (cited by Mayo Clinic Laboratories, Mayo Clinic and Labcorp Genetics (formerly Invitae), Labcorp); PubMed 37369098 (cited by Mayo Clinic Laboratories, Mayo Clinic).

NM_000186.4(CFH):c.1825G>A (p.Val609Ile)

Gene: CFH (complement factor H; plus strand). Cytogenetic location: 1q31.3.
Variant type: single nucleotide variant.
Coding change: c.1825G>A on transcript NM_000186.4 (MANE Select); coding-DNA position 1825, G replaced by A.
Protein change: p.Val609Ile; replaces valine 609 with isoleucine.
Molecular consequence: missense variant.
Genome position (GRCh38, 1-based): chr1:196,725,249, G>A. VCF-style: chr1-196725249-G-A. GRCh37 (hg19) VCF-style: chr1-196694379-G-A.
Other names: p.Val609Ile; short protein forms V609I.
Identifiers: ClinVar variation 988218 (VCV000988218.15), dbSNP rs148165372, ClinGen allele CA1305489.